The following is an entry in ClinVar:

ClinVar aggregate classification (germline): Uncertain significance (1 of 4 stars; one submission).

Conditions:
Hypertrophic cardiomyopathy 19. Also called: Familial hypertrophic cardiomyopathy 19. Identifiers: MedGen CN077603, MONDO:0013476.

Allele frequency attached by ClinVar (database versions not stated): gnomAD exomes below 0.00001.
gnomAD v4.1: 2 of 1,613,878 alleles (0.00012%); highest among the groups gnomAD compares: Admixed American, 0.0017%; no homozygotes.

Submission:

Labcorp Genetics (formerly Invitae), Labcorp
Classification: Uncertain significance for Hypertrophic cardiomyopathy 19. Last evaluated: 2022-07-25. Review status: criteria provided, single submitter. Criteria: Invitae Variant Classification Sherloc (09022015). Collection method: clinical testing. Allele origin: germline.
Comment: Algorithms developed to predict the effect of missense changes on protein structure and function are either unavailable or do not agree on the potential impact of this missense change (SIFT: "Deleterious"; PolyPhen-2: "Probably Damaging"; Align-GVGD: "Class C0"). ClinVar contains an entry for this variant (Variation ID: 1377831). This variant has not been reported in the literature in individuals affected with CALR3-related conditions. This variant is not present in population databases (gnomAD no frequency). This sequence change replaces aspartic acid, which is acidic and polar, with tyrosine, which is neutral and polar, at codon 179 of the CALR3 protein (p.Asp179Tyr). In summary, the available evidence is currently insufficient to determine the role of this variant in disease. Therefore, it has been classified as a Variant of Uncertain Significance.

NM_145046.5(CALR3):c.535G>T (p.Asp179Tyr)

Gene: CALR3 (calreticulin 3; minus strand). Cytogenetic location: 19p13.11.
Variant type: single nucleotide variant.
Coding change: c.535G>T on transcript NM_145046.5 (MANE Select); coding-DNA position 535, G replaced by T.
Protein change: p.Asp179Tyr; replaces aspartic acid 179 with tyrosine.
Molecular consequence: missense variant.
Genome position (GRCh38, 1-based): chr19:16,484,073, C>A on the plus strand (G>T on the coding strand, the complement: CALR3 is on the minus strand). VCF-style: chr19-16484073-C-A. GRCh37 (hg19) VCF-style: chr19-16594884-C-A.
Other names: short protein forms D179Y.
Identifiers: ClinVar variation 1377831 (VCV001377831.6), dbSNP rs2122131270, ClinGen allele CA404610062.